The following is an entry in ClinVar:

ClinVar aggregate classification (germline): Pathogenic. Review status: reviewed by expert panel (3 of 4 stars). 8 submissions from 8 submitters: Pathogenic (1). 7 of the submissions do not count toward it. Last evaluated 2016-04-22.

Conditions:
Hereditary cancer-predisposing syndrome. Also called: Hereditary Cancer Syndrome; Hereditary neoplastic syndrome; Neoplastic Syndromes, Hereditary; Tumor predisposition. Identifiers: Orphanet 140162, MedGen C0027672, MeSH D009386, MONDO:0015356.
Breast-ovarian cancer, familial, susceptibility to, 1 (BROVCA1). Also called: BRCA1 Hereditary Breast and Ovarian Cancer; OVARIAN CANCER, SUSCEPTIBILITY TO. Identifiers: Orphanet 145, MedGen C2676676, MONDO:0011450, OMIM 604370. Disease mechanism: loss of function.
Hereditary breast ovarian cancer syndrome. Also called: BRCA1- and BRCA2-Associated Hereditary Breast and Ovarian Cancer; Hereditary breast and ovarian cancer syndrome; Hereditary breast and ovarian cancer syndrome (HBOC); Breast and ovarian cancer; Hereditary breast and/or ovarian cancer syndrome; Hereditary breast and ovarian cancer. Identifiers: Orphanet 145, MedGen C0677776, MeSH D061325, MONDO:0003582. Disease mechanism: loss of function.

Submissions (8):

Evidence-based Network for the Interpretation of Germline Mutant Alleles (ENIGMA)
Classification: Pathogenic for Breast-ovarian cancer, familial, susceptibility to, 1. Last evaluated: 2016-04-22. Review status: reviewed by expert panel. Criteria: ENIGMA BRCA1/2 Classification Criteria (2015). Collection method: curation. Allele origin: germline.
Comment: Variant allele predicted to encode a truncated non-functional protein.

Baylor Genetics
Classification: Pathogenic for Breast-ovarian cancer, familial, susceptibility to, 1. Last evaluated: 2024-01-21. Review status: criteria provided, single submitter. Criteria: ACMG Guidelines, 2015. Collection method: clinical testing. Allele origin: unknown. Not counted in ClinVar's aggregate classification.

Labcorp Genetics (formerly Invitae), Labcorp
Classification: Pathogenic for Hereditary breast ovarian cancer syndrome. Last evaluated: 2023-08-02. Review status: criteria provided, single submitter. Criteria: Invitae Variant Classification Sherloc (09022015). Collection method: clinical testing. Allele origin: germline. Not counted in ClinVar's aggregate classification.
Comment: This variant is not present in population databases (gnomAD no frequency). This premature translational stop signal has been observed in individual(s) with a personal and/or family history of breast cancer (PMID: 15998910). This variant is also known as 3825delAA or 3826delAA. ClinVar contains an entry for this variant (Variation ID: 54968). For these reasons, this variant has been classified as Pathogenic. This sequence change creates a premature translational stop signal (p.Asn1236Tyrfs*7) in the BRCA1 gene. It is expected to result in an absent or disrupted protein product. Loss-of-function variants in BRCA1 are known to be pathogenic (PMID: 20104584).

Clinical Genetics Laboratory, Skane University Hospital Lund
Classification: Pathogenic. Last evaluated: 2022-11-28. Review status: criteria provided, single submitter. Criteria: ACMG Guidelines, 2015. Collection method: clinical testing. Allele origin: germline. Affected: yes. Not counted in ClinVar's aggregate classification.

Quest Diagnostics Nichols Institute San Juan Capistrano
Classification: Pathogenic. Last evaluated: 2019-12-07. Review status: criteria provided, single submitter. Criteria: Quest Diagnostics criteria. Collection method: clinical testing. Allele origin: unknown. Not counted in ClinVar's aggregate classification.
Comment: The variant results in a shift of the reading frame, and is therefore predicted to result in the loss of a functional protein. Found in at least one patient with expected phenotype for this gene, and not found in general population data.

Ambry Genetics
Classification: Pathogenic for Hereditary cancer-predisposing syndrome. Last evaluated: 2018-12-18. Review status: criteria provided, single submitter. Criteria: Ambry Variant Classification Scheme 2023. Collection method: clinical testing. Allele origin: germline. Not counted in ClinVar's aggregate classification.
Comment: The c.3706_3707delAA pathogenic mutation, located in coding exon 9 of the BRCA1 gene, results from a deletion of two nucleotides at nucleotide positions 3706 to 3707, causing a translational frameshift with a predicted alternate stop codon (p.N1236Yfs*7). This alteration is expected to result in loss of function by premature protein truncation or nonsense-mediated mRNA decay. As such, this alteration is interpreted as a disease-causing mutation.

Consortium of Investigators of Modifiers of BRCA1/2 (CIMBA), c/o University of Cambridge
Classification: Pathogenic for Breast-ovarian cancer, familial, susceptibility to, 1. Last evaluated: 2015-10-02. Review status: criteria provided, single submitter. Criteria: CIMBA Mutation Classification guidelines May 2016. Collection method: clinical testing. Allele origin: germline. Not counted in ClinVar's aggregate classification.

Breast Cancer Information Core (BIC) (BRCA1)
Classification: Pathogenic for Breast-ovarian cancer, familial 1. Last evaluated: 2004-11-25. Review status: no assertion criteria provided. Collection method: clinical testing. Allele origin: germline. Affected: yes. Observed: 1 variant allele. Not counted in ClinVar's aggregate classification.

Literature cited by the submitters: PubMed 15998910 (cited by Labcorp Genetics (formerly Invitae), Labcorp and Quest Diagnostics Nichols Institute San Juan Capistrano); PubMed 20104584 (cited by Labcorp Genetics (formerly Invitae), Labcorp).

NM_007294.4(BRCA1):c.3706_3707del (p.Asn1236fs)

Genes: BRCA1 (BRCA1 DNA repair associated; minus strand), LOC126862571 (BRD4-independent group 4 enhancer GRCh37_chr17:41243136-41244335; plus strand). Cytogenetic location: 17q21.31.
Variant type: Deletion.
Coding change: c.3706_3707del on transcript NM_007294.4 (MANE Select); coding-DNA positions 3706 to 3707, 2 bases deleted (AA; older notation c.3706_3707delAA).
Protein change: p.Asn1236fs; shifts the reading frame from asparagine 1236.
Molecular consequence: frameshift variant. On other transcripts: intron variant (135).
Genome position (GRCh38, 1-based): chr17:43,091,824-43,091,825, TT deleted on the plus strand (AA on the coding strand, the reverse complement: BRCA1 is on the minus strand). VCF-style (leftmost placement, unchanged base first): chr17-43091823-ATT-A. GRCh37 (hg19) VCF-style: chr17-41243840-ATT-A.
Other names: 3825delAA; 3825_3826delAA; c.3565_3566del, p.Asn1189fs (NM_001407696.1, NM_001407732.1, NM_001407733.1 and 29 more transcripts); c.3562_3563del, p.Asn1188fs (NM_001407838.1, NM_001407839.1, NM_001407841.1 and 20 more transcripts); c.3706_3707del, p.Asn1236fs (NM_001407854.1, NM_001407858.1, NM_001407859.1 and 30 more transcripts); c.3703_3704del, p.Asn1235fs (NM_001407860.1, NM_001407861.1, NM_001407587.1 and 22 more transcripts); c.3505_3506del, p.Asn1169fs (NM_001407862.1); c.3583_3584del, p.Asn1195fs (NM_001407863.1, NM_001407938.1, NM_001407939.1 and 19 more transcripts); and 43 more; short protein forms N1189fs, N1236fs, N1125fs, N1165fs, N1194fs, N1195fs, N1233fs, N1068fs.
Identifiers: ClinVar variation 54968 (VCV000054968.15), dbSNP rs80357666, ClinGen allele CA002374.
Genomic context (GRCh38, chr17:43,091,823, plus strand): 5'-TGTGTTCTTAGACAGACACTCGGTAGCAACGGTGCTATGCCTAGTAGACTGAGAAGGTAT[ATT>A]GTTTACTTTACCAAATAACAAGTGTTGGAAGCAGGGAAGCTCTTCATCCTCACTAGATAA-3'